The following is an entry in ClinVar:

ClinVar aggregate classification (germline): Likely pathogenic (1 of 4 stars; one submission).

Conditions:
Wilson disease (WND). Also called: Wilson's disease. Identifiers: Orphanet 905, MedGen C0019202, MONDO:0010200, OMIM 277900. Disease mechanism: loss of function.

Submission:

Myriad Genetics, Inc.
Classification: Likely pathogenic for Wilson disease. Last evaluated: 2022-03-15. Review status: criteria provided, single submitter. Criteria: Myriad Women's Health Autosomal Recessive and X-Linked Classification Criteria (2021). Collection method: clinical testing. Allele origin: unknown.
Comment: NM_000053.3(ATP7B):c.1497T>A(C499*) is expected to be pathogenic in the context of Wilson disease. This variant is predicted to lead to an abnormal or absent protein product due to the creation of a premature termination codon in ATP7B, a gene where loss-of-function variants are known to be pathogenic. Please note: this variant was assessed in the context of healthy population screening.

NM_000053.4(ATP7B):c.1497T>A (p.Cys499Ter)

Gene: ATP7B (ATPase copper transporting beta; minus strand). Cytogenetic location: 13q14.3.
Variant type: single nucleotide variant.
Coding change: c.1497T>A on transcript NM_000053.4 (MANE Select); coding-DNA position 1497, T replaced by A.
Protein change: p.Cys499Ter; replaces cysteine 499 with a stop codon.
Molecular consequence: nonsense.
Genome position (GRCh38, 1-based): chr13:51,970,538, A>T on the plus strand (T>A on the coding strand, the complement: ATP7B is on the minus strand). VCF-style: chr13-51970538-A-T. GRCh37 (hg19) VCF-style: chr13-52544674-A-T.
Other names: c.1497T>A, p.Cys499Ter (NM_001005918.3, NM_001330578.2, NM_001330579.2 and 28 more transcripts); c.1164T>A, p.Cys388Ter (NM_001243182.2); c.1401T>A, p.Cys467Ter (NM_001406517.1, NM_001406518.1, NM_001406543.1 and 3 more transcripts); c.1068T>A, p.Cys356Ter (NM_001406539.1); short protein forms C356*, C388*, C467*, C499*.
Identifiers: ClinVar variation 1726466 (VCV001726466.2), dbSNP rs2547792957, ClinGen allele CA388035393.
Genomic context (GRCh38, chr13:51,970,538, plus strand): 5'-CGTTCATCTCTTACCAGCTTCTTTCTGCAGATTCCTTTCTATGTTAGACACACAGGATGC[A>T]CAGGTCATGCCTTTGATCTGTAAGAAGCACTTCTGCGGTGCCACTGCTCTGGTTGATTGT-3'